The following is an entry in ClinVar:

NM_015205.3(ATP11A):c.2245C>T (p.Leu749Phe)

Gene: ATP11A (ATPase phospholipid transporting 11A; plus strand). Cytogenetic location: 13q34.
Variant type: single nucleotide variant.
Coding change: c.2245C>T on transcript NM_015205.3 (MANE Select); coding-DNA position 2245, C replaced by T.
Protein change: p.Leu749Phe; replaces leucine 749 with phenylalanine.
Molecular consequence: missense variant.
Genome position (GRCh38, 1-based): chr13:112,855,912, C>T. VCF-style: chr13-112855912-C-T. GRCh37 (hg19) VCF-style: chr13-113510226-C-T.
Other names: c.2245C>T, p.Leu749Phe (NM_001405661.1, NM_001405662.1, NM_001405663.1 and 1 more transcripts); short protein forms L749F.
Identifiers: ClinVar variation 3350576 (VCV003350576.1).
Genomic context (GRCh38, chr13:112,855,912, plus strand): 5'-CTTCTAAAATCTATAGATTTAGTGATTGAGCAATCTTTCTGACTCACGTACTCTAACAGA[C>T]TTTCAGCAGATATGCAGGACTACGGTTTAATTATCGACGGAGCTGCACTGTCTCTGATAA-3'
Protein context (NP_056020.2, residues 739-759): GSLTRDNLSG[Leu749Phe]SADMQDYGLI

ClinVar aggregate classification (germline): Uncertain significance (0 of 4 stars; one submission).

Conditions:
ATP11A-related disorder. Also called: ATP11A-related condition.

gnomAD v4.1: 28 of 1,607,800 alleles (0.0017%); highest among the groups gnomAD compares: Non-Finnish European, 0.0023%; no homozygotes.

Submission:

PreventionGenetics, part of Exact Sciences
Classification: Uncertain significance for ATP11A-related condition. Last evaluated: 2024-06-20. Review status: no assertion criteria provided. Collection method: clinical testing. Allele origin: germline.
Comment: The ATP11A c.2245C>T variant is predicted to result in the amino acid substitution p.Leu749Phe. To our knowledge, this variant has not been reported in the literature. This variant is reported in 0.0040% of alleles in individuals of African descent in gnomAD. At this time, the clinical significance of this variant is uncertain due to the absence of conclusive functional and genetic evidence.